The following is an entry in ClinVar:

ClinVar aggregate classification (germline): Uncertain significance. Review status: criteria provided, multiple submitters, no conflicts (2 of 4 stars). 4 submissions from 4 submitters: Uncertain significance (4). Last evaluated 2025-08-31.

Conditions:
Global developmental delay - lung cysts - overgrowth - Wilms tumor syndrome. Also called: GLOW Syndrome; GLOBAL DEVELOPMENTAL DELAY, LUNG CYSTS, OVERGROWTH, AND WILMS TUMOR. Identifiers: Orphanet 404476, MedGen C4748924, MONDO:0018445, OMIM 618272.
DICER1-related tumor predisposition. Also called: DICER1-related pleuropulmonary blastoma cancer predisposition syndrome; DICER1 syndrome. Identifiers: Orphanet 284343, MedGen C3839822, MONDO:0100216.
Hereditary cancer-predisposing syndrome. Also called: Hereditary neoplastic syndrome; Neoplastic Syndromes, Hereditary; Tumor predisposition; Hereditary Cancer Syndrome. Identifiers: Orphanet 140162, MedGen C0027672, MeSH D009386, MONDO:0015356.

Allele frequency attached by ClinVar (database versions not stated): gnomAD exomes below 0.00001.
gnomAD v4.1: 4 of 1,614,222 alleles (0.00025%); highest among the groups gnomAD compares: Non-Finnish European, 0.00034%; no homozygotes.

Submissions (4):

Labcorp Genetics (formerly Invitae), Labcorp
Classification: Uncertain significance for DICER1-related tumor predisposition. Last evaluated: 2025-08-31. Review status: criteria provided, single submitter. Criteria: Invitae Variant Classification Sherloc (09022015). Collection method: clinical testing. Allele origin: germline.
Comment: This sequence change replaces tyrosine, which is neutral and polar, with histidine, which is basic and polar, at codon 1223 of the DICER1 protein (p.Tyr1223His). This variant is not present in population databases (gnomAD no frequency). This variant has not been reported in the literature in individuals affected with DICER1-related conditions. ClinVar contains an entry for this variant (Variation ID: 412087). Invitae Evidence Modeling of protein sequence and biophysical properties (such as structural, functional, and spatial information, amino acid conservation, physicochemical variation, residue mobility, and thermodynamic stability) indicates that this missense variant is not expected to disrupt DICER1 protein function with a negative predictive value of 95%. In summary, the available evidence is currently insufficient to determine the role of this variant in disease. Therefore, it has been classified as a Variant of Uncertain Significance.

Baylor Genetics
Classification: Uncertain significance for Global developmental delay - lung cysts - overgrowth - Wilms tumor syndrome. Last evaluated: 2023-05-25. Review status: criteria provided, single submitter. Criteria: ACMG Guidelines, 2015. Collection method: clinical testing. Allele origin: unknown.

GeneDx
Classification: Uncertain significance. Last evaluated: 2022-08-03. Review status: criteria provided, single submitter. Criteria: GeneDx Variant Classification Process June 2021. Collection method: clinical testing. Allele origin: germline. Affected: yes.
Comment: Not observed at significant frequency in large population cohorts (gnomAD); In silico analysis supports that this missense variant does not alter protein structure/function; Has not been previously published as pathogenic or benign to our knowledge

Ambry Genetics
Classification: Uncertain significance for Hereditary cancer-predisposing syndrome. Last evaluated: 2021-03-04. Review status: criteria provided, single submitter. Criteria: Ambry Variant Classification Scheme 2023. Collection method: clinical testing. Allele origin: germline.
Comment: The p.Y1223H variant (also known as c.3667T>C), located in coding exon 20 of the DICER1 gene, results from a T to C substitution at nucleotide position 3667. The tyrosine at codon 1223 is replaced by histidine, an amino acid with similar properties. This amino acid position is not well conserved in available vertebrate species. In addition, this alteration is predicted to be tolerated by in silico analysis. Since supporting evidence is limited at this time, the clinical significance of this alteration remains unclear.

NM_177438.3(DICER1):c.3667T>C (p.Tyr1223His)

Gene: DICER1 (dicer 1, ribonuclease III; minus strand). Cytogenetic location: 14q32.13.
Variant type: single nucleotide variant.
Coding change: c.3667T>C on transcript NM_177438.3 (MANE Select); coding-DNA position 3667, T replaced by C.
Protein change: p.Tyr1223His; replaces tyrosine 1223 with histidine.
Molecular consequence: missense variant.
Genome position (GRCh38, 1-based): chr14:95,103,729, A>G on the plus strand (T>C on the coding strand, the complement: DICER1 is on the minus strand). VCF-style: chr14-95103729-A-G. GRCh37 (hg19) VCF-style: chr14-95570066-A-G.
Other names: c.3667T>C, p.Tyr1223His (NM_001195573.1, NM_001271282.3, NM_001291628.2 and 1 more transcripts); short protein forms Y1223H.
Identifiers: ClinVar variation 412087 (VCV000412087.14), dbSNP rs1006671935, ClinGen allele CA16614512.